The following is an entry in ClinVar:

ClinVar aggregate classification (germline): Likely pathogenic (1 of 4 stars; one submission).

Submission:

CeGaT Center for Human Genetics Tuebingen
Classification: Likely pathogenic. Last evaluated: 2025-10-01. Review status: criteria provided, single submitter. Criteria: CeGaT Center For Human Genetics Tuebingen Variant Classification Criteria Version 2. Collection method: clinical testing. Allele origin: germline. Affected: yes. Observed: 1 variant allele.
Comment: ATP7B: PVS1:Strong, PM2

NM_000053.4(ATP7B):c.4071_4072insC (p.Ala1358fs)

Gene: ATP7B (ATPase copper transporting beta; minus strand). Cytogenetic location: 13q14.3.
Variant type: Insertion.
Coding change: c.4071_4072insC on transcript NM_000053.4 (MANE Select); coding-DNA positions 4071 to 4072, C inserted.
Protein change: p.Ala1358fs; shifts the reading frame from alanine 1358.
Molecular consequence: frameshift variant.
Genome position: GRCh38 VCF-style: chr13-51935645-C-CG. GRCh37 (hg19) VCF-style: chr13-52509781-C-CG.
Other names: c.3642_3643insC, p.Ala1215fs (NM_001406539.1); c.3624_3625insC, p.Ala1209fs (NM_001406540.1); c.4071_4072insC, p.Ala1358fs (NM_001406512.1, NM_001406511.1); c.4065_4066insC, p.Ala1356fs (NM_001406513.1); c.4038_4039insC, p.Ala1347fs (NM_001406514.1); c.4017_4018insC, p.Ala1340fs (NM_001406515.1, NM_001406516.1); c.3975_3976insC, p.Ala1326fs (NM_001406517.1, NM_001406518.1); c.3936_3937insC, p.Ala1313fs (NM_001406519.1); and 21 more; short protein forms A1077fs, A1131fs, A1142fs, A1151fs, A1164fs, A1194fs, A1196fs, A1209fs.
Identifiers: ClinVar variation 4534964 (VCV004534964.6).
Genomic context (GRCh38, chr13:51,935,645, plus strand): 5'-GGACTCACCACTTGAGCTGCAGGGATGAGAGCACCACAGACACAGAGGAGGCTGCCATGG[C>CG]CGCTGAGCCCATCCAGGGCTGCAGCACAATGCCGATGGGCATGAAGACACCTGGGGAAGA-3'